The following is an entry in ClinVar:

ClinVar aggregate classification (germline): Uncertain significance. Review status: criteria provided, multiple submitters, no conflicts (2 of 4 stars). 2 submissions from 2 submitters: Uncertain significance (2). Last evaluated 2025-05-19.

Submissions (2):

GeneDx
Classification: Uncertain significance. Last evaluated: 2025-05-19. Review status: criteria provided, single submitter. Criteria: GeneDx Variant Classification Process June 2021. Collection method: clinical testing. Allele origin: germline.
Comment: In silico analysis supports that this missense variant has a deleterious effect on protein structure/function; Has not been previously published as pathogenic or benign to our knowledge

Blueprint Genetics
Classification: Uncertain significance. Last evaluated: 2023-05-24. Review status: criteria provided, single submitter. Criteria: ACMG Guidelines, 2015. Collection method: clinical testing. Allele origin: germline.

NM_015100.4(POGZ):c.1828C>T (p.Arg610Trp)

Gene: POGZ (pogo transposable element derived with ZNF domain; minus strand). Cytogenetic location: 1q21.3.
Variant type: single nucleotide variant.
Coding change: c.1828C>T on transcript NM_015100.4 (MANE Select); coding-DNA position 1828, C replaced by T.
Protein change: p.Arg610Trp; replaces arginine 610 with tryptophan.
Molecular consequence: missense variant.
Genome position (GRCh38, 1-based): chr1:151,411,723, G>A on the plus strand (C>T on the coding strand, the complement: POGZ is on the minus strand). VCF-style: chr1-151411723-G-A. GRCh37 (hg19) VCF-style: chr1-151384199-G-A.
Other names: c.1801C>T, p.Arg601Trp (NM_001194937.2); c.1642C>T, p.Arg548Trp (NM_001194938.2); c.1849C>T, p.Arg617Trp (NM_001410860.1); c.1543C>T, p.Arg515Trp (NM_145796.4); c.1669C>T, p.Arg557Trp (NM_207171.2); short protein forms R515W, R548W, R557W, R601W, R610W, R617W.
Identifiers: ClinVar variation 3360905 (VCV003360905.2).